The following is an entry in ClinVar:

ClinVar aggregate classification (germline): Likely pathogenic. Review status: criteria provided, single submitter (1 of 4 stars). 2 submissions from 2 submitters: Likely pathogenic (1). 1 of the submissions does not count toward it.

Conditions:
Hypogonadotropic hypogonadism 11 with or without anosmia (HH11). Also called: HYPOGONADOTROPIC HYPOGONADISM 11 WITHOUT ANOSMIA; TACR3-Related GnRH Deficiency. Identifiers: Orphanet 478, MedGen C3553844, MONDO:0013913, OMIM 614840.
Autism spectrum disorder. Also called: Autism spectrum disorders. Identifiers: MedGen C1510586, MeSH D000067877, MONDO:0005258.

Allele frequency attached by ClinVar (database versions not stated): gnomAD exomes 0.00001 and 0.00003; TOPMed 0.00002; ExAC 0.00003.
gnomAD v4.1: 10 of 1,613,990 alleles (0.00062%); highest among the groups gnomAD compares: East Asian, 0.018%; no homozygotes.

Submissions (2):

Department of Endocrinology and Metabolism, The First Affiliated Hospital of Sun Yet-sen University
Classification: Likely pathogenic for Hypogonadotropic hypogonadism 11 with or without anosmia. Review status: criteria provided, single submitter. Criteria: The evaluation of idiopathic hypogonadotropic hypogonadism. Collection method: clinical testing. Allele origin: unknown. Affected: yes. Observed: 1 heterozygote.

Gene Friend Way, National Innovation Center
Classification: Likely pathogenic for Autism spectrum disorder. Last evaluated: 2023-07-28. Review status: no assertion criteria provided. Collection method: clinical testing. Allele origin: unknown. Affected: yes. Observed: 2 variant alleles. Not counted in ClinVar's aggregate classification.
Comment: Missense variant in a gene which is widely expressed in the nervous system from the spinal cord to the brain and is involved in both physiological and pathological processes in the nervous system, including mood disorders, chronic pain, learning and memory deficiencies, Alzheimer's disease, Parkinson's disease, addiction-related processes, hypoxic-ischemic encephalopathy, body fluid management, neural development and schizophrenia. PMID: 32926772. TARC3 is predicted to relate to ASD by bioinformatic analysis (PMID: 14606695). In our study, two children diagnosed with Autism Spectrum Disorder are carriers of this mutation.

NM_001059.3(TACR3):c.692C>T (p.Thr231Ile)

Gene: TACR3 (tachykinin receptor 3; minus strand). Cytogenetic location: 4q24.
Variant type: single nucleotide variant.
Coding change: c.692C>T on transcript NM_001059.3 (MANE Select); coding-DNA position 692, C replaced by T.
Protein change: p.Thr231Ile; replaces threonine 231 with isoleucine.
Molecular consequence: missense variant.
Genome position (GRCh38, 1-based): chr4:103,658,260, G>A on the plus strand (C>T on the coding strand, the complement: TACR3 is on the minus strand). VCF-style: chr4-103658260-G-A. GRCh37 (hg19) VCF-style: chr4-104579417-G-A.
Other names: short protein forms T231I.
Identifiers: ClinVar variation 183684 (VCV000183684.5), dbSNP rs764659822, ClinGen allele CA210038.